The following is an entry in ClinVar:

Conditions:
Breast-ovarian cancer, familial, susceptibility to, 1 (BROVCA1). Also called: BRCA1 Hereditary Breast and Ovarian Cancer; OVARIAN CANCER, SUSCEPTIBILITY TO. Identifiers: Orphanet 145, MedGen C2676676, MONDO:0011450, OMIM 604370. Disease mechanism: loss of function.

Submission:

Brotman Baty Institute, University of Washington
No classification provided (evidence only). Condition: Breast-ovarian cancer, familial 1. Review status: no classification provided. Collection method: in vitro. Allele origin: not applicable. Functional consequence: functionally_normal.
ClinVar note: "not provided" was previously submitted as the classification for the variant. However, the classification appeared to be based only on an observation of functional data so it was converted to no classification on 2025-07-30.

NM_007294.4(BRCA1):c.4986T>C (p.Phe1662=)

Gene: BRCA1 (BRCA1 DNA repair associated; minus strand). Cytogenetic location: 17q21.31.
Variant type: single nucleotide variant.
Coding change: c.4986T>C on transcript NM_007294.4 (MANE Select); coding-DNA position 4986, T replaced by C.
Protein change: p.Phe1662=; no amino-acid change (phenylalanine 1662 retained).
Molecular consequence: synonymous variant. On other transcripts: intron variant (1).
Genome position (GRCh38, 1-based): chr17:43,070,928, A>G on the plus strand (T>C on the coding strand, the complement: BRCA1 is on the minus strand). VCF-style: chr17-43070928-A-G. GRCh37 (hg19) VCF-style: chr17-41222945-A-G.
Other names: c.4776T>C, p.Phe1592= (NM_001407886.1, NM_001407887.1, NM_001407889.1 and 5 more transcripts); c.4773T>C, p.Phe1591= (NM_001407894.1, NM_001407895.1, NM_001407896.1 and 12 more transcripts); c.4770T>C, p.Phe1590= (NM_001407915.1, NM_001407916.1, NM_001407917.1 and 1 more transcripts); c.4863T>C, p.Phe1621= (NM_001407919.1, NM_001407937.1, NM_001407938.1 and 6 more transcripts); c.4722T>C, p.Phe1574= (NM_001407920.1, NM_001407921.1, NM_001407922.1 and 4 more transcripts); c.4719T>C, p.Phe1573= (NM_001407927.1, NM_001407928.1, NM_001407929.1 and 4 more transcripts); c.4716T>C, p.Phe1572= (NM_001407934.1, NM_001407935.1, NM_001407936.1); c.4860T>C, p.Phe1620= (NM_001407939.1, NM_001407940.1, NM_001407670.1 and 11 more transcripts); and 71 more.
Identifiers: ClinVar variation 868083 (VCV000868083.3), dbSNP rs2052353460, ClinGen allele CA500231508.